The following is an entry in ClinVar:

NM_000069.3(CACNA1S):c.2421C>T (p.Leu807=)

Gene: CACNA1S (calcium voltage-gated channel subunit alpha1 S; minus strand). Cytogenetic location: 1q32.1.
Variant type: single nucleotide variant.
Coding change: c.2421C>T on transcript NM_000069.3 (MANE Select); coding-DNA position 2421, C replaced by T.
Protein change: p.Leu807=; no amino-acid change (leucine 807 retained).
Molecular consequence: synonymous variant.
Genome position (GRCh38, 1-based): chr1:201,069,541, G>A on the plus strand (C>T on the coding strand, the complement: CACNA1S is on the minus strand). VCF-style: chr1-201069541-G-A. GRCh37 (hg19) VCF-style: chr1-201038669-G-A.
Identifiers: ClinVar variation 2071124 (VCV002071124.5), dbSNP rs1661377046, ClinGen allele CA422687841.
Genomic context (GRCh38, chr1:201,069,541, plus strand): 5'-CATGGAATCAGCCCGGATGGGGTCTTCCGCAGCCAGTGCAGCGCTGCTGAGCAGGATGAA[G>A]AGCAGGATGAAGTTGGTAAACCAGGTGGCATTGACGATGCGGTGACACAGGACACGGATC-3'
Protein context (NP_000060.2, residues 797-817): NATWFTNFIL[Leu807=]FILLSSAALA

ClinVar aggregate classification (germline): Likely benign. Review status: criteria provided, multiple submitters, no conflicts (2 of 4 stars). 2 submissions from 2 submitters: Likely benign (2). Last evaluated 2025-01-24.

Conditions:
Malignant hyperthermia, susceptibility to, 5 (MHS5). Also called: CACNA1S-Related Malignant Hyperthermia Susceptibility. Identifiers: Orphanet 423, MedGen C1866077, MONDO:0011163, OMIM 601887.
Hypokalemic periodic paralysis, type 1. Also called: HypoPP; Hypokalemic Periodic Paralysis Type 1 (AD). Identifiers: Orphanet 681, MedGen C3714580, MONDO:0042979, OMIM 170400.

Allele frequency attached by ClinVar (database versions not stated): TOPMed below 0.00001.
gnomAD v4.1: 1 of 1,582,994 alleles (0.000063%); highest among the groups gnomAD compares: Non-Finnish European, 0.000086%; no homozygotes.

Submissions (2):

Labcorp Genetics (formerly Invitae), Labcorp
Classification: Likely benign for Hypokalemic periodic paralysis, type 1; Malignant hyperthermia, susceptibility to, 5. Last evaluated: 2025-01-24. Review status: criteria provided, single submitter. Criteria: Invitae Variant Classification Sherloc (09022015). Collection method: clinical testing. Allele origin: germline.

All of Us Research Program, National Institutes of Health
Classification: Likely benign for Malignant hyperthermia, susceptibility to, 5. Last evaluated: 2024-02-05. Review status: criteria provided, single submitter. Criteria: ACMG Guidelines, 2015. Collection method: clinical testing. Allele origin: germline. Inheritance: Autosomal dominant inheritance. Observed: 1 variant allele, 1 heterozygote.
Comment: This study involves interpretation of variants in research participants for the purpose of population health screening. Participant phenotype was not available at the time of variant classification. Additional details can be found in publication PMID: 35346344, PMCID: PMC8962531